The following is an entry in ClinVar:

NM_020778.5(ALPK3):c.887T>C (p.Ile296Thr)

Gene: ALPK3 (alpha kinase 3; plus strand). Cytogenetic location: 15q25.3.
Variant type: single nucleotide variant.
Coding change: c.887T>C on transcript NM_020778.5 (MANE Select); coding-DNA position 887, T replaced by C.
Protein change: p.Ile296Thr; replaces isoleucine 296 with threonine.
Molecular consequence: missense variant.
Genome position (GRCh38, 1-based): chr15:84,840,166, T>C. VCF-style: chr15-84840166-T-C. GRCh37 (hg19) VCF-style: chr15-85383397-T-C.
Other names: short protein forms I296T.
Identifiers: ClinVar variation 3532743 (VCV003532743.1).

ClinVar aggregate classification (germline): Uncertain significance (1 of 4 stars; one submission).

Conditions:
Cardiovascular phenotype. Identifiers: MedGen CN230736.

Submission:

Ambry Genetics
Classification: Uncertain significance for Cardiovascular phenotype. Last evaluated: 2024-06-27. Review status: criteria provided, single submitter. Criteria: Ambry Variant Classification Scheme 2023. Collection method: clinical testing. Allele origin: germline.
Comment: The p.I498T variant (also known as c.1493T>C), located in coding exon 5 of the ALPK3 gene, results from a T to C substitution at nucleotide position 1493. The isoleucine at codon 498 is replaced by threonine, an amino acid with similar properties. This amino acid position is conserved. In addition, this alteration is predicted to be tolerated by in silico analysis. Based on the available evidence, the clinical significance of this variant remains unclear.